The following is an entry in ClinVar:

ClinVar aggregate classification (germline): Uncertain significance (1 of 4 stars; one submission).

Submission:

Labcorp Genetics (formerly Invitae), Labcorp
Classification: Uncertain significance. Last evaluated: 2022-06-13. Review status: criteria provided, single submitter. Criteria: Invitae Variant Classification Sherloc (09022015). Collection method: clinical testing. Allele origin: germline.
Comment: In summary, the available evidence is currently insufficient to determine the role of this variant in disease. Therefore, it has been classified as a Variant of Uncertain Significance. Experimental studies and prediction algorithms are not available or were not evaluated, and the functional significance of this variant is currently unknown. This variant has not been reported in the literature in individuals affected with SAMD11-related conditions. This variant results in a copy number gain of the genomic region encompassing exon(s) 2-3 of the SAMD11 gene. This region includes the initiator codon of the gene. This copy number gain extends beyond the assayed region for this gene and therefore may encompass additional genes. As the precise location of this event is unknown, it may be in tandem or it may be located elsewhere in the genome.

NC_000001.10:g.(?_861322)_(865736_?)dup

Gene: SAMD11 (sterile alpha motif domain containing 11; plus strand). Cytogenetic location: 1p36.33.
Variant type: Duplication.
Identifiers: ClinVar variation 1450493 (VCV001450493.5).